The following is an entry in ClinVar:

NM_018965.4(TREM2):c.115G>A (p.Asp39Asn)

Gene: TREM2 (triggering receptor expressed on myeloid cells 2; minus strand). Cytogenetic location: 6p21.1.
Variant type: single nucleotide variant.
Coding change: c.115G>A on transcript NM_018965.4 (MANE Select); coding-DNA position 115, G replaced by A.
Protein change: p.Asp39Asn; replaces aspartic acid 39 with asparagine.
Molecular consequence: missense variant.
Genome position (GRCh38, 1-based): chr6:41,161,539, C>T on the plus strand (G>A on the coding strand, the complement: TREM2 is on the minus strand). VCF-style: chr6-41161539-C-T. GRCh37 (hg19) VCF-style: chr6-41129277-C-T.
Other names: c.115G>A, p.Asp39Asn (NM_001271821.2); short protein forms D39N.
Identifiers: ClinVar variation 356680 (VCV000356680.36), dbSNP rs764816591, ClinGen allele CA3798964.

ClinVar aggregate classification (germline): Uncertain significance. Review status: criteria provided, multiple submitters, no conflicts (2 of 4 stars). 2 submissions from 2 submitters: Uncertain significance (2). Last evaluated 2022-05-01.

Conditions:
Polycystic lipomembranous osteodysplasia with sclerosing leukoencephalopathy 2. Also called: TREM2-Related Polycystic Lipomembranous Osteodysplasia with Sclerosing Leukoencephalopathy. Identifiers: MedGen C4748657, MONDO:0020750, OMIM 618193.

Allele frequency attached by ClinVar (database versions not stated): TOPMed below 0.00001; ExAC 0.00001; gnomAD 0.00001; gnomAD exomes 0.00001.

Submissions (2):

CeGaT Center for Human Genetics Tuebingen
Classification: Uncertain significance. Last evaluated: 2022-05-01. Review status: criteria provided, single submitter. Criteria: CeGaT Center For Human Genetics Tuebingen Variant Classification Criteria Version 2. Collection method: clinical testing. Allele origin: germline. Affected: yes. Observed: 1 variant allele.
Comment: TREM2: PM2, BP4

Illumina Laboratory Services, Illumina
Classification: Uncertain significance for Polycystic lipomembranous osteodysplasia with sclerosing leukoencephalopathy 2. Last evaluated: 2018-01-12. Review status: criteria provided, single submitter. Criteria: ICSL Variant Classification Criteria 13 December 2019. Collection method: clinical testing. Allele origin: germline.